The following is an entry in ClinVar:

NM_001079843.3(CASZ1):c.269A>T (p.Lys90Met)

Gene: CASZ1 (castor zinc finger 1; minus strand). Cytogenetic location: 1p36.22.
Variant type: single nucleotide variant.
Coding change: c.269A>T on transcript NM_001079843.3 (MANE Select); coding-DNA position 269, A replaced by T.
Protein change: p.Lys90Met; replaces lysine 90 with methionine.
Molecular consequence: missense variant.
Genome position (GRCh38, 1-based): chr1:10,665,319, T>A on the plus strand (A>T on the coding strand, the complement: CASZ1 is on the minus strand). VCF-style: chr1-10665319-T-A. GRCh37 (hg19) VCF-style: chr1-10725376-T-A.
Other names: c.269A>T, p.Lys90Met (NM_017766.5); short protein forms K90M.
Identifiers: ClinVar variation 4717667 (VCV004717667.1).

ClinVar aggregate classification (germline): Uncertain significance (1 of 4 stars; one submission).

Submission:

Labcorp Genetics (formerly Invitae), Labcorp
Classification: Uncertain significance. Last evaluated: 2025-04-17. Review status: criteria provided, single submitter. Criteria: Invitae Variant Classification Sherloc (09022015). Collection method: clinical testing. Allele origin: germline.
Comment: This sequence change replaces lysine, which is basic and polar, with methionine, which is neutral and non-polar, at codon 90 of the CASZ1 protein (p.Lys90Met). This variant is not present in population databases (gnomAD no frequency). This variant has not been reported in the literature in individuals affected with CASZ1-related conditions. An algorithm developed to predict the effect of missense changes on protein structure and function (PolyPhen-2) suggests that this variant is likely to be disruptive. In summary, the available evidence is currently insufficient to determine the role of this variant in disease. Therefore, it has been classified as a Variant of Uncertain Significance.